The following is an entry in ClinVar:

NM_022053.4(NXF2):c.255C>T (p.Cys85=)

Gene: NXF2 (nuclear RNA export factor 2; plus strand). Cytogenetic location: Xq22.1.
Variant type: single nucleotide variant.
Coding change: c.255C>T on transcript NM_022053.4 (MANE Select); coding-DNA position 255, C replaced by T.
Protein change: p.Cys85=; no amino-acid change (cysteine 85 retained).
Molecular consequence: synonymous variant.
Genome position (GRCh38, 1-based): chrX:102,317,400, C>T. VCF-style: chrX-102317400-C-T. GRCh37 (hg19) VCF-style: chrX-101572357-C-T.
Identifiers: ClinVar variation 4533495 (VCV004533495.6).

ClinVar aggregate classification (germline): Likely benign (1 of 4 stars; one submission).

Submission:

CeGaT Center for Human Genetics Tuebingen
Classification: Likely benign. Last evaluated: 2026-03-01. Review status: criteria provided, single submitter. Criteria: CeGaT Center For Human Genetics Tuebingen Variant Classification Criteria Version 2. Collection method: clinical testing. Allele origin: germline. Affected: yes. Observed: 2 variant alleles.
Comment: NXF2: PM2:Supporting, BP4, BP7